The following is an entry in ClinVar:

ClinVar aggregate classification (germline): Benign (1 of 4 stars; one submission).

Submission:

GeneDx
Classification: Benign. Last evaluated: 2018-06-16. Review status: criteria provided, single submitter. Criteria: GeneDx Variant Classification (06012015). Collection method: clinical testing. Allele origin: germline. Affected: yes.
Comment: This variant is considered likely benign or benign based on one or more of the following criteria: it is a conservative change, it occurs at a poorly conserved position in the protein, it is predicted to be benign by multiple in silico algorithms, and/or has population frequency not consistent with disease.

NM_020631.6(PLEKHG5):c.-87-95_-87-94insATCCATTAGGGAGAGCTGGCCCAGGTCGGAGC

Genes: PLEKHG5 (pleckstrin homology and RhoGEF domain containing G5; minus strand), LOC126805598 (MED14-independent group 3 enhancer GRCh37_chr1:6536823-6538022; plus strand). Cytogenetic location: 1p36.31.
Variant type: Insertion.
Coding change: c.-87-95_-87-94insATCCATTAGGGAGAGCTGGCCCAGGTCGGAGC on transcript NM_020631.6 (MANE Select); 95 bases into the intron before 87 bases upstream of the start codon through 94 bases into the intron before 87 bases upstream of the start codon, ATCCATTAGGGAGAGCTGGCCCAGGTCGGAGC inserted.
Molecular consequence: intron variant.
Genome position: GRCh38: chr1:6,477,753-6,477,754. GRCh37 (hg19): chr1:6,537,813-6,537,814.
Other names: c.-87-95_-87-94insATCCATTAGGGAGAGCTGGCCCAGGTCGGAGC (NM_198681.4, NM_001265594.3, NM_001042664.2 and 1 more transcripts); c.25-95_25-94insATCCATTAGGGAGAGCTGGCCCAGGTCGGAGC (NM_001042663.3, NM_001265592.2); c.121-95_121-94insATCCATTAGGGAGAGCTGGCCCAGGTCGGAGC (NM_001265593.2).
Identifiers: ClinVar variation 673060 (VCV000673060.1), dbSNP rs374260108, ClinGen allele CA17246776.
Genomic context (GRCh38, chr1:6,477,752, plus strand): 5'-CGAGATCCACCACATCCCTCGACCCCGGCCCAGCGCTGCAGGGACTTAGAATGAACTGCC[C>CTGCTCCGACCTGGGCCAGCTCTCCCTAATGGA]TCCATCTCTCGATCCAGGGTGAGGAGACGCCCCCCAGCAGTCCCCCCTCTCCCACATCAT-3'